The following is an entry in ClinVar:

NM_000035.4(ALDOB):c.539del (p.Gln180fs)

Gene: ALDOB (aldolase, fructose-bisphosphate B; minus strand). Cytogenetic location: 9q31.1.
Variant type: Deletion.
Coding change: c.539del on transcript NM_000035.4 (MANE Select); coding-DNA position 539, one base deleted (A; older notation c.539delA).
Protein change: p.Gln180fs; shifts the reading frame from glutamine 180.
Molecular consequence: frameshift variant.
Genome position (GRCh38, 1-based): chr9:101,427,483, T deleted on the plus strand (A on the coding strand, the reverse complement: ALDOB is on the minus strand). VCF-style (leftmost placement, unchanged base first): chr9-101427482-CT-C. GRCh37 (hg19) VCF-style: chr9-104189764-CT-C.
Other names: short protein forms Q180fs.
Identifiers: ClinVar variation 1954703 (VCV001954703.5), dbSNP rs2490124103, ClinGen allele CA2580079282.

ClinVar aggregate classification (germline): Pathogenic (1 of 4 stars; one submission).

Conditions:
Hereditary fructosuria. Also called: Fructose intolerance; ALDOB DEFICIENCY; ALDOLASE B DEFICIENCY; FRUCTOSE-1,6-BISPHOSPHATE ALDOLASE B DEFICIENCY; FRUCTOSE-1-PHOSPHATE ALDOLASE DEFICIENCY; FRUCTOSEMIA. Identifiers: Orphanet 469, MedGen C0016751, MONDO:0009249, OMIM 229600, HP:0005973. Disease mechanism: loss of function.

Submission:

Labcorp Genetics (formerly Invitae), Labcorp
Classification: Pathogenic for Hereditary fructosuria. Last evaluated: 2024-01-29. Review status: criteria provided, single submitter. Criteria: Invitae Variant Classification Sherloc (09022015). Collection method: clinical testing. Allele origin: germline.
Comment: This sequence change creates a premature translational stop signal (p.Gln180Argfs*12) in the ALDOB gene. It is expected to result in an absent or disrupted protein product. Loss-of-function variants in ALDOB are known to be pathogenic (PMID: 18541450). This variant is not present in population databases (gnomAD no frequency). This variant has not been reported in the literature in individuals affected with ALDOB-related conditions. ClinVar contains an entry for this variant (Variation ID: 1954703). Algorithms developed to predict the effect of sequence changes on RNA splicing suggest that this variant may disrupt the consensus splice site. For these reasons, this variant has been classified as Pathogenic.

Literature cited by the submitters: PubMed 18541450.